The following is an entry in ClinVar:

NM_001042750.2(STAG2):c.2285A>G (p.Lys762Arg)

Gene: STAG2 (STAG2 cohesin complex component; plus strand). Cytogenetic location: Xq25.
Variant type: single nucleotide variant.
Coding change: c.2285A>G on transcript NM_001042750.2 (MANE Select); coding-DNA position 2285, A replaced by G.
Protein change: p.Lys762Arg; replaces lysine 762 with arginine.
Molecular consequence: missense variant.
Genome position (GRCh38, 1-based): chrX:124,068,583, A>G. VCF-style: chrX-124068583-A-G. GRCh37 (hg19) VCF-style: chrX-123202433-A-G.
Other names: c.2285A>G, p.Lys762Arg (NM_001042749.2, NM_001042751.2, NM_001282418.2 and 13 more transcripts); short protein forms K762R.
Identifiers: ClinVar variation 3632186 (VCV003632186.2).
Genomic context (GRCh38, chrX:124,068,583, plus strand): 5'-TATACAATATTTTTTAAAAGTTAATGTTAAATTTTTTCAAGGAGGACTTGCTGCGTTTAA[A>G]GAAACAAATGAGAGTATTTTGTCAGATATGTCAACATTACCTGACCAACGTGAATACTAC-3'
Protein context (NP_001036215.1, residues 752-772): SSTKEDLLRL[Lys762Arg]KQMRVFCQIC

ClinVar aggregate classification (germline): Uncertain significance (1 of 4 stars; one submission).

Submission:

Labcorp Genetics (formerly Invitae), Labcorp
Classification: Uncertain significance. Last evaluated: 2024-12-07. Review status: criteria provided, single submitter. Criteria: Invitae Variant Classification Sherloc (09022015). Collection method: clinical testing. Allele origin: germline.
Comment: This sequence change replaces lysine, which is basic and polar, with arginine, which is basic and polar, at codon 762 of the STAG2 protein (p.Lys762Arg). This variant is not present in population databases (gnomAD no frequency). This variant has not been reported in the literature in individuals affected with STAG2-related conditions. Invitae Evidence Modeling of protein sequence and biophysical properties (such as structural, functional, and spatial information, amino acid conservation, physicochemical variation, residue mobility, and thermodynamic stability) indicates that this missense variant is not expected to disrupt STAG2 protein function with a negative predictive value of 80%. In summary, the available evidence is currently insufficient to determine the role of this variant in disease. Therefore, it has been classified as a Variant of Uncertain Significance.